The following is an entry in ClinVar:

NM_012448.4(STAT5B):c.2017C>T (p.Arg673Trp)

Gene: STAT5B (signal transducer and activator of transcription 5B; minus strand). Cytogenetic location: 17q21.2.
Variant type: single nucleotide variant.
Coding change: c.2017C>T on transcript NM_012448.4 (MANE Select); coding-DNA position 2017, C replaced by T.
Protein change: p.Arg673Trp; replaces arginine 673 with tryptophan.
Molecular consequence: missense variant.
Genome position (GRCh38, 1-based): chr17:42,207,618, G>A on the plus strand (C>T on the coding strand, the complement: STAT5B is on the minus strand). VCF-style: chr17-42207618-G-A. GRCh37 (hg19) VCF-style: chr17-40359636-G-A.
Other names: short protein forms R673W.
Identifiers: ClinVar variation 2047324 (VCV002047324.4), dbSNP rs773533491, ClinGen allele CA8573922.

ClinVar aggregate classification (germline): Uncertain significance (1 of 4 stars; one submission).

Conditions:
Growth hormone insensitivity with immune dysregulation 1, autosomal recessive. Also called: GROWTH HORMONE INSENSITIVITY DUE TO POSTRECEPTOR DEFECT; Laron syndrome with immunodeficiency; GROWTH HORMONE INSENSITIVITY SYNDROME WITH IMMUNE DYSREGULATION 1, AUTOSOMAL RECESSIVE; LARON SYNDROME DUE TO POSTRECEPTOR DEFECT. Identifiers: Orphanet 220465, MedGen C5435698, MONDO:0100211, OMIM 245590.

Allele frequency attached by ClinVar (database versions not stated): ExAC 0.00001; gnomAD 0.00001; gnomAD exomes 0.00001.
gnomAD v4.1: 13 of 1,613,846 alleles (0.00081%); highest among the groups gnomAD compares: East Asian, 0.0022%; no homozygotes.

Submission:

Labcorp Genetics (formerly Invitae), Labcorp
Classification: Uncertain significance for Growth hormone insensitivity with immune dysregulation 1, autosomal recessive. Last evaluated: 2025-12-30. Review status: criteria provided, single submitter. Criteria: Invitae Variant Classification Sherloc (09022015). Collection method: clinical testing. Allele origin: germline.
Comment: This sequence change replaces arginine, which is basic and polar, with tryptophan, which is neutral and slightly polar, at codon 673 of the STAT5B protein (p.Arg673Trp). This variant is present in population databases (rs773533491, gnomAD 0.007%). This variant has not been reported in the literature in individuals affected with STAT5B-related conditions. ClinVar contains an entry for this variant (Variation ID: 2047324). Invitae Evidence Modeling of protein sequence and biophysical properties (such as structural, functional, and spatial information, amino acid conservation, physicochemical variation, residue mobility, and thermodynamic stability) indicates that this missense variant is not expected to disrupt STAT5B protein function with a negative predictive value of 80%. In summary, the available evidence is currently insufficient to determine the role of this variant in disease. Therefore, it has been classified as a Variant of Uncertain Significance.